The following is an entry in ClinVar:

NM_000186.4(CFH):c.1778T>C (p.Leu593Ser)

Gene: CFH (complement factor H; plus strand). Cytogenetic location: 1q31.3.
Variant type: single nucleotide variant.
Coding change: c.1778T>C on transcript NM_000186.4 (MANE Select); coding-DNA position 1778, T replaced by C.
Protein change: p.Leu593Ser; replaces leucine 593 with serine.
Molecular consequence: missense variant.
Genome position (GRCh38, 1-based): chr1:196,725,202, T>C. VCF-style: chr1-196725202-T-C. GRCh37 (hg19) VCF-style: chr1-196694332-T-C.
Other names: short protein forms L593S.
Identifiers: ClinVar variation 4291420 (VCV004291420.2).

ClinVar aggregate classification (germline): Uncertain significance (1 of 4 stars; one submission).

Conditions:
Factor H deficiency (CFHD). Also called: COMPLEMENT FACTOR H DEFICIENCY; CFH DEFICIENCY. Identifiers: Orphanet 200421, MedGen C0398777, MONDO:0012350, OMIM 609814.

Submission:

Genomenon, Inc
Classification: Uncertain significance for Factor H deficiency. Last evaluated: 2026-09-17. Review status: criteria provided, single submitter. Criteria: Genomenon Sequence Variant Interpretation Standards - Updated. Collection method: curation. Allele origin: germline. Affected: yes.
Comment: CFH p.Leu593Ser (c.1778T>C) is a missense variant that changes the amino acid at codon 593 from leucine to serine. This variant has been observed in at least one proband affected with complement factor H deficiency (PMID: 29566171). It is absent or not present at a significant frequency in gnomAD. In conclusion, we classify CFH p.Leu593Ser (c.1778T>C) as a variant of uncertain significance.

Literature cited by the submitters: PubMed 29566171.